The following is an entry in ClinVar:

NM_000059.4(BRCA2):c.2129C>G (p.Ser710Ter)

Gene: BRCA2 (BRCA2 DNA repair associated; plus strand). Cytogenetic location: 13q13.1.
Variant type: single nucleotide variant.
Coding change: c.2129C>G on transcript NM_000059.4 (MANE Select); coding-DNA position 2129, C replaced by G.
Protein change: p.Ser710Ter; replaces serine 710 with a stop codon.
Molecular consequence: nonsense.
Genome position (GRCh38, 1-based): chr13:32,336,484, C>G. VCF-style: chr13-32336484-C-G. GRCh37 (hg19) VCF-style: chr13-32910621-C-G.
Other names: 2357C>G; short protein forms S710*.
Identifiers: ClinVar variation 266678 (VCV000266678.16), dbSNP rs886040405, ClinGen allele CA10589136.
Genomic context (GRCh38, chr13:32,336,484, plus strand): 5'-AAGCAAAATGTAATAAGGAAAAACTACAGTTATTTATTACCCCAGAAGCTGATTCTCTGT[C>G]ATGCCTGCAGGAAGGACAGTGTGAAAATGATCCAAAAAGCAAAAAAGTTTCAGATATAAA-3'

ClinVar aggregate classification (germline): Pathogenic. Review status: reviewed by expert panel (3 of 4 stars). 5 submissions from 5 submitters: Pathogenic (1). 4 of the submissions do not count toward it. Last evaluated 2016-10-18.

Conditions:
Hereditary cancer-predisposing syndrome. Also called: Tumor predisposition; Neoplastic Syndromes, Hereditary; Hereditary neoplastic syndrome; Hereditary Cancer Syndrome. Identifiers: Orphanet 140162, MedGen C0027672, MeSH D009386, MONDO:0015356.
Hereditary breast ovarian cancer syndrome. Also called: Hereditary breast and ovarian cancer; Hereditary breast and ovarian cancer syndrome (HBOC); Hereditary breast and/or ovarian cancer syndrome; Breast and ovarian cancer; Hereditary breast and ovarian cancer syndrome; BRCA1- and BRCA2-Associated Hereditary Breast and Ovarian Cancer. Identifiers: Orphanet 145, MedGen C0677776, MeSH D061325, MONDO:0003582. Disease mechanism: loss of function.
Breast-ovarian cancer, familial, susceptibility to, 2 (BROVCA2). Also called: BRCA2 Hereditary Breast and Ovarian Cancer. Identifiers: Orphanet 145, MedGen C2675520, MONDO:0012933, OMIM 612555. Disease mechanism: loss of function.
Familial cancer of breast. Also called: Hereditary breast cancer; BREAST CANCER, FAMILIAL; hereditary breast carcinoma. Identifiers: Orphanet 227535, MedGen C0346153, MONDO:0016419, OMIM 114480. Disease mechanism: loss of function.

Submissions (5):

Evidence-based Network for the Interpretation of Germline Mutant Alleles (ENIGMA)
Classification: Pathogenic for Breast-ovarian cancer, familial, susceptibility to, 2. Last evaluated: 2016-10-18. Review status: reviewed by expert panel. Criteria: ENIGMA BRCA1/2 Classification Criteria (2015). Collection method: curation. Allele origin: germline.
Comment: Variant allele predicted to encode a truncated non-functional protein.

Baylor Genetics
Classification: Pathogenic for Familial cancer of breast. Last evaluated: 2022-08-02. Review status: criteria provided, single submitter. Criteria: ACMG Guidelines, 2015. Collection method: clinical testing. Allele origin: unknown. Not counted in ClinVar's aggregate classification.

Labcorp Genetics (formerly Invitae), Labcorp
Classification: Pathogenic for Hereditary breast ovarian cancer syndrome. Last evaluated: 2022-03-17. Review status: criteria provided, single submitter. Criteria: Invitae Variant Classification Sherloc (09022015). Collection method: clinical testing. Allele origin: germline. Not counted in ClinVar's aggregate classification.
Comment: This sequence change creates a premature translational stop signal (p.Ser710*) in the BRCA2 gene. It is expected to result in an absent or disrupted protein product. Loss-of-function variants in BRCA2 are known to be pathogenic (PMID: 20104584). This variant is not present in population databases (gnomAD no frequency). This premature translational stop signal has been observed in individual(s) with an increased risk of breast and ovarian cancer (PMID: 29446198). ClinVar contains an entry for this variant (Variation ID: 266678). For these reasons, this variant has been classified as Pathogenic.

Ambry Genetics
Classification: Pathogenic for Hereditary cancer-predisposing syndrome. Last evaluated: 2020-09-11. Review status: criteria provided, single submitter. Criteria: Ambry Variant Classification Scheme 2023. Collection method: clinical testing. Allele origin: germline. Not counted in ClinVar's aggregate classification.
Comment: The p.S710* pathogenic mutation (also known as c.2129C>G), located in coding exon 10 of the BRCA2 gene, results from a C to G substitution at nucleotide position 2129. This changes the amino acid from a serine to a stop codon within coding exon 10. This alteration was identified in a large, worldwide study of BRCA1/2 mutation positive families (Rebbeck TR et al. Hum. Mutat., 2018 05;39:593-620). In addition to the clinical data presented in the literature, this alteration is expected to result in loss of function by premature protein truncation or nonsense-mediated mRNA decay. As such, this alteration is interpreted as a disease-causing mutation.

Consortium of Investigators of Modifiers of BRCA1/2 (CIMBA), c/o University of Cambridge
Classification: Pathogenic for Breast-ovarian cancer, familial, susceptibility to, 2. Last evaluated: 2015-10-02. Review status: criteria provided, single submitter. Criteria: CIMBA Mutation Classification guidelines May 2016. Collection method: clinical testing. Allele origin: germline. Not counted in ClinVar's aggregate classification.

Literature cited by the submitters: PubMed 20104584 (cited by Labcorp Genetics (formerly Invitae), Labcorp); PubMed 29446198 (cited by Labcorp Genetics (formerly Invitae), Labcorp and Ambry Genetics).